The following is an entry in ClinVar:

ClinVar aggregate classification (germline): Uncertain significance. Review status: criteria provided, multiple submitters, no conflicts (2 of 4 stars). 2 submissions from 2 submitters: Uncertain significance (2). Last evaluated 2022-06-26.

Conditions:
Complement component 5 deficiency. Also called: C5 DEFICIENCY. Identifiers: MedGen C0343047, MONDO:0012295, OMIM 609536.

Allele frequency attached by ClinVar (database versions not stated): gnomAD exomes 0.00003 and 0.00006; ExAC 0.00007; 1000 Genomes Project 30x 0.00016; gnomAD 0.00019 and 0.00021; 1000 Genomes Project 0.00020; ESP Exome Variant Server 0.00023; TOPMed 0.00023.
gnomAD v4.1: 77 of 1,610,070 alleles (0.0048%); highest among the groups gnomAD compares: African/African-American, 0.071%; no homozygotes.

Submissions (2):

Labcorp Genetics (formerly Invitae), Labcorp
Classification: Uncertain significance. Last evaluated: 2022-06-26. Review status: criteria provided, single submitter. Criteria: Invitae Variant Classification Sherloc (09022015). Collection method: clinical testing. Allele origin: germline.
Comment: This sequence change replaces threonine, which is neutral and polar, with isoleucine, which is neutral and non-polar, at codon 22 of the C5 protein (p.Thr22Ile). This variant is present in population databases (rs142075999, gnomAD 0.06%). This variant has not been reported in the literature in individuals affected with C5-related conditions. ClinVar contains an entry for this variant (Variation ID: 1033860). Algorithms developed to predict the effect of missense changes on protein structure and function output the following: SIFT: "Tolerated"; PolyPhen-2: "Benign"; Align-GVGD: "Class C0". The isoleucine amino acid residue is found in multiple mammalian species, which suggests that this missense change does not adversely affect protein function. Algorithms developed to predict the effect of sequence changes on RNA splicing suggest that this variant may disrupt the consensus splice site. In summary, the available evidence is currently insufficient to determine the role of this variant in disease. Therefore, it has been classified as a Variant of Uncertain Significance.

Baylor Genetics
Classification: Uncertain significance for Complement component 5 deficiency. Last evaluated: 2018-06-08. Review status: criteria provided, single submitter. Criteria: ACMG Guidelines, 2015. Collection method: clinical testing. Allele origin: paternal. Affected: yes.
Comment: This variant was determined to be of uncertain significance according to ACMG Guidelines, 2015 [PMID:25741868].

NM_001735.3(C5):c.65C>T (p.Thr22Ile)

Gene: C5 (complement C5; minus strand). Cytogenetic location: 9q33.2.
Variant type: single nucleotide variant.
Coding change: c.65C>T on transcript NM_001735.3 (MANE Select); coding-DNA position 65, C replaced by T.
Protein change: p.Thr22Ile; replaces threonine 22 with isoleucine.
Molecular consequence: missense variant. On other transcripts: intron variant (1).
Genome position (GRCh38, 1-based): chr9:121,050,182, G>A on the plus strand (C>T on the coding strand, the complement: C5 is on the minus strand). VCF-style: chr9-121050182-G-A. GRCh37 (hg19) VCF-style: chr9-123812460-G-A.
Other names: c.65C>T, p.Thr22Ile (NM_001317164.2); c.84-3799C>T (NM_001317163.2); short protein forms T22I.
Identifiers: ClinVar variation 1033860 (VCV001033860.4), dbSNP rs142075999, ClinGen allele CA5218497.